The following is an entry in ClinVar:

NM_000053.4(ATP7B):c.2964G>A (p.Gly988=)

Gene: ATP7B (ATPase copper transporting beta; minus strand). Cytogenetic location: 13q14.3.
Variant type: single nucleotide variant.
Coding change: c.2964G>A on transcript NM_000053.4 (MANE Select); coding-DNA position 2964, G replaced by A.
Protein change: p.Gly988=; no amino-acid change (glycine 988 retained).
Molecular consequence: synonymous variant. On other transcripts: intron variant (6).
Genome position (GRCh38, 1-based): chr13:51,946,380, C>T on the plus strand (G>A on the coding strand, the complement: ATP7B is on the minus strand). VCF-style: chr13-51946380-C-T. GRCh37 (hg19) VCF-style: chr13-52520516-C-T.
Other names: c.2866-2089G>A (NM_001406525.1); c.2218-2089G>A (NM_001406547.1); c.2380-2089G>A (NM_001406546.1); c.2614-2089G>A (NM_001406540.1); c.2731-2089G>A (NM_001406535.1); c.2343G>A, p.Gly781= (NM_001005918.3); c.2631G>A, p.Gly877= (NM_001243182.2); c.2730G>A, p.Gly910= (NM_001330578.2, NM_001406527.1, NM_001406528.1 and 1 more transcripts); and 18 more.
Identifiers: ClinVar variation 3074713 (VCV003074713.1), dbSNP rs761340503, ClinGen allele CA483894947.

ClinVar aggregate classification (germline): Likely benign (1 of 4 stars; one submission).

Conditions:
Wilson disease (WND). Also called: Wilson's disease. Identifiers: Orphanet 905, MedGen C0019202, MONDO:0010200, OMIM 277900. Disease mechanism: loss of function.

Submission:

All of Us Research Program, National Institutes of Health
Classification: Likely benign for Wilson disease. Last evaluated: 2023-11-20. Review status: criteria provided, single submitter. Criteria: ACMG Guidelines, 2015. Collection method: clinical testing. Allele origin: germline. Inheritance: Autosomal recessive inheritance. Observed: 1 variant allele, 1 heterozygote.
Comment: This study involves interpretation of variants in research participants for the purpose of population health screening. Participant phenotype was not available at the time of variant classification. Additional details can be found in publication PMID: 35346344, PMCID: PMC8962531